The following is an entry in ClinVar:

ClinVar aggregate classification (germline): Uncertain significance (1 of 4 stars; one submission).

Submission:

Ambry Genetics
Classification: Uncertain significance. Last evaluated: 2025-06-02. Review status: criteria provided, single submitter. Criteria: Ambry Variant Classification Scheme 2023. Collection method: clinical testing. Allele origin: germline.
Comment: The p.P1409R variant (also known as c.4226C>G), located in coding exon 38 of the KIF1B gene, results from a C to G substitution at nucleotide position 4226. The proline at codon 1409 is replaced by arginine, an amino acid with dissimilar properties. This amino acid position is conserved. In addition, this alteration is predicted to be deleterious by in silico analysis. Based on the available evidence, the clinical significance of this variant remains unclear.

NM_001365951.3(KIF1B):c.4364C>G (p.Pro1455Arg)

Gene: KIF1B (kinesin family member 1B; plus strand). Cytogenetic location: 1p36.22.
Variant type: single nucleotide variant.
Coding change: c.4364C>G on transcript NM_001365951.3 (MANE Select); coding-DNA position 4364, C replaced by G.
Protein change: p.Pro1455Arg; replaces proline 1455 with arginine.
Molecular consequence: missense variant.
Genome position (GRCh38, 1-based): chr1:10,363,342, C>G. VCF-style: chr1-10363342-C-G. GRCh37 (hg19) VCF-style: chr1-10423400-C-G.
Other names: c.4364C>G, p.Pro1455Arg (NM_001365952.1); c.4226C>G, p.Pro1409Arg (NM_015074.3); short protein forms P1409R, P1455R.
Identifiers: ClinVar variation 4043160 (VCV004043160.1).